The following is an entry in ClinVar:

ClinVar aggregate classification (germline): Uncertain significance (1 of 4 stars; one submission).

Allele frequency attached by ClinVar (database versions not stated): ExAC 0.00016; gnomAD 0.00020; ESP Exome Variant Server 0.00023; TOPMed 0.00031; 1000 Genomes Project 0.00040; 1000 Genomes Project 30x 0.00047.
gnomAD v4.1: 266 of 1,614,196 alleles (0.016%); highest among the groups gnomAD compares: Middle Eastern, 0.05%; no homozygotes.

Submission:

GeneDx
Classification: Uncertain significance. Last evaluated: 2023-01-24. Review status: criteria provided, single submitter. Criteria: GeneDx Variant Classification Process June 2021. Collection method: clinical testing. Allele origin: germline. Affected: yes.
Comment: In silico analysis supports that this missense variant does not alter protein structure/function; Has not been previously published as pathogenic or benign to our knowledge

NM_018130.3(SHQ1):c.1675A>C (p.Thr559Pro)

Gene: SHQ1 (SHQ1, H/ACA ribonucleoprotein assembly factor; minus strand). Cytogenetic location: 3p13.
Variant type: single nucleotide variant.
Coding change: c.1675A>C on transcript NM_018130.3 (MANE Select); coding-DNA position 1675, A replaced by C.
Protein change: p.Thr559Pro; replaces threonine 559 with proline.
Molecular consequence: missense variant.
Genome position (GRCh38, 1-based): chr3:72,750,343, T>G on the plus strand (A>C on the coding strand, the complement: SHQ1 is on the minus strand). VCF-style: chr3-72750343-T-G. GRCh37 (hg19) VCF-style: chr3-72799494-T-G.
Other names: short protein forms T559P.
Identifiers: ClinVar variation 2574306 (VCV002574306.1), dbSNP rs199656163, ClinGen allele CA2492277.